The following is an entry in ClinVar:

NM_006918.5(SC5D):c.22G>A (p.Ala8Thr)

Gene: SC5D (sterol-C5-desaturase; plus strand). Cytogenetic location: 11q24.1.
Variant type: single nucleotide variant.
Coding change: c.22G>A on transcript NM_006918.5 (MANE Select); coding-DNA position 22, G replaced by A.
Protein change: p.Ala8Thr; replaces alanine 8 with threonine.
Molecular consequence: missense variant.
Genome position (GRCh38, 1-based): chr11:121,303,397, G>A. VCF-style: chr11-121303397-G-A. GRCh37 (hg19) VCF-style: chr11-121174106-G-A.
Other names: c.22G>A, p.Ala8Thr (NM_001024956.3); short protein forms A8T.
Identifiers: ClinVar variation 1050356 (VCV001050356.1), dbSNP rs141930747, ClinGen allele CA6328018.

ClinVar aggregate classification (germline): Uncertain significance (0 of 4 stars; one submission).

Allele frequency attached by ClinVar (database versions not stated): ExAC 0.00001; gnomAD 0.00001; gnomAD exomes 0.00001 and 0.00004; TOPMed 0.00004; ESP Exome Variant Server 0.00008.

Submission:

Department of Pathology and Laboratory Medicine, Sinai Health System
Classification: Uncertain significance. Review status: no assertion criteria provided. Collection method: clinical testing. Allele origin: unknown. Affected: yes. Study: The Canadian Open Genetics Repository (COGR).
Comment: The SC5D p.Ala8Thr variant was not identified in the literature nor was it identified in ClinVar or LOVD 3.0. The variant was identified in dbSNP (ID: rs141930747) and in control databases in 10 of 251270 chromosomes at a frequency of 0.0000398 (Genome Aggregation Database March 6, 2019, v2.1.1). The variant was observed in the following populations: Ashkenazi Jewish in 7 of 10076 chromosomes (freq: 0.000695), Other in 2 of 6130 chromosomes (freq: 0.000326) and European (non-Finnish) in 1 of 113582 chromosomes (freq: 0.000009), but was not observed in the African, Latino, East Asian, European (Finnish), or South Asian populations. The p.Ala8 residue is conserved in mammals and computational analyses (PolyPhen-2, SIFT, AlignGVGD, BLOSUM, MutationTaster) provide inconsistent predictions regarding the impact to the protein; this information is not very predictive of pathogenicity. The variant occurs outside of the splicing consensus sequence and in silico or computational prediction software programs (SpliceSiteFinder, MaxEntScan, NNSPLICE, GeneSplicer) do not predict a difference in splicing. In summary, based on the above information the clinical significance of this variant cannot be determined with certainty at this time. This variant is classified as a variant of uncertain significance.